The following is an entry in ClinVar:

NM_024596.5(MCPH1):c.867G>A (p.Gln289=)

Gene: MCPH1 (microcephalin 1; plus strand). Cytogenetic location: 8p23.1.
Variant type: single nucleotide variant.
Coding change: c.867G>A on transcript NM_024596.5 (MANE Select); coding-DNA position 867, G replaced by A.
Protein change: p.Gln289=; no amino-acid change (glutamine 289 retained).
Molecular consequence: synonymous variant. On other transcripts: non-coding transcript variant (1).
Genome position (GRCh38, 1-based): chr8:6,444,589, G>A. VCF-style: chr8-6444589-G-A. GRCh37 (hg19) VCF-style: chr8-6302110-G-A.
Other names: c.867G>A, p.Gln289= (NM_001172574.2, NM_001322042.2, NM_001363979.1 and 1 more transcripts); c.723G>A, p.Gln241= (NM_001172575.2); c.861G>A, p.Gln287= (NM_001322043.2); c.765G>A, p.Gln255= (NM_001322045.2).
Identifiers: ClinVar variation 158877 (VCV000158877.15), dbSNP rs201231900, ClinGen allele CA271719.

ClinVar aggregate classification (germline): Conflicting classifications of pathogenicity. Review status: criteria provided, conflicting classifications (1 of 4 stars). 3 submissions from 3 submitters: Uncertain significance (1); Likely benign (2). Last evaluated 2026-01-20.

Conditions:
Microcephaly 1, primary, autosomal recessive (MCPH1). Also called: PREMATURE CHROMOSOME CONDENSATION SYNDROME; PCC SYNDROME; PREMATURE CHROMOSOME CONDENSATION WITH MICROCEPHALY AND MENTAL RETARDATION. Identifiers: Orphanet 2512, MedGen C1855081, MONDO:0009617, OMIM 251200.

Allele frequency attached by ClinVar (database versions not stated): gnomAD exomes 0.00012; ExAC 0.00014; gnomAD 0.00019; 1000 Genomes Project 30x 0.00031; 1000 Genomes Project 0.00040; TOPMed 0.00049; ESP Exome Variant Server 0.00051.
gnomAD v4.1: 110 of 1,614,144 alleles (0.0068%); highest among the groups gnomAD compares: African/African-American, 0.13%; no homozygotes.

Submissions (3):

Labcorp Genetics (formerly Invitae), Labcorp
Classification: Likely benign. Last evaluated: 2026-01-20. Review status: criteria provided, single submitter. Criteria: Invitae Variant Classification Sherloc (09022015). Collection method: clinical testing. Allele origin: germline.

GeneDx
Classification: Likely benign. Last evaluated: 2017-05-02. Review status: criteria provided, single submitter. Criteria: GeneDx Variant Classification (06012015). Collection method: clinical testing. Allele origin: germline. Affected: yes.
Comment: This variant is considered likely benign or benign based on one or more of the following criteria: it is a conservative change, it occurs at a poorly conserved position in the protein, it is predicted to be benign by multiple in silico algorithms, and/or has population frequency not consistent with disease.

Genetic Services Laboratory, University of Chicago
Classification: Uncertain significance for Microcephaly 1, primary, autosomal recessive. Last evaluated: 2013-02-08. Review status: criteria provided, single submitter. Criteria: ACMG Guidelines, 2007. Collection method: clinical testing. Allele origin: germline. Inheritance: Autosomal recessive inheritance.